The following is an entry in ClinVar:

ClinVar aggregate classification (germline): Benign. Review status: criteria provided, single submitter (1 of 4 stars). 2 submissions from 2 submitters: Benign (1). 1 of the submissions does not count toward it. Last evaluated 2025-04-28.

Conditions:
MAGT1-related disorder. Also called: MAGT1-related condition.
X-linked immunodeficiency with magnesium defect, Epstein-Barr virus infection and neoplasia. Identifiers: Orphanet 317476, MedGen C3275445, MONDO:0010455, OMIM 300853.

Allele frequency attached by ClinVar (database versions not stated): ExAC 0.00001; gnomAD 0.00002; TOPMed 0.00002; gnomAD exomes 0.00004.
gnomAD v4.1: 12 of 1,198,138 alleles (0.001%); highest among the groups gnomAD compares: Admixed American, 0.024%; no homozygotes.

Submissions (2):

Labcorp Genetics (formerly Invitae), Labcorp
Classification: Benign for X-linked immunodeficiency with magnesium defect, Epstein-Barr virus infection and neoplasia. Last evaluated: 2025-04-28. Review status: criteria provided, single submitter. Criteria: Invitae Variant Classification Sherloc (09022015). Collection method: clinical testing. Allele origin: germline.

PreventionGenetics, part of Exact Sciences
Classification: Likely benign for MAGT1-related condition. Last evaluated: 2019-07-15. Review status: no assertion criteria provided. Collection method: clinical testing. Allele origin: germline. Not counted in ClinVar's aggregate classification.
Comment: This variant is classified as likely benign based on ACMG/AMP sequence variant interpretation guidelines (Richards et al. 2015 PMID: 25741868, with internal and published modifications).

NM_001367916.1(MAGT1):c.771C>T (p.Ile257=)

Gene: MAGT1 (magnesium transporter 1; minus strand). Cytogenetic location: Xq21.1.
Variant type: single nucleotide variant.
Coding change: c.771C>T on transcript NM_001367916.1 (MANE Select); coding-DNA position 771, C replaced by T.
Protein change: p.Ile257=; no amino-acid change (isoleucine 257 retained).
Molecular consequence: synonymous variant.
Genome position (GRCh38, 1-based): chrX:77,853,956, G>A on the plus strand (C>T on the coding strand, the complement: MAGT1 is on the minus strand). VCF-style: chrX-77853956-G-A. GRCh37 (hg19) VCF-style: chrX-77109453-G-A.
Other names: c.867C>T, p.Ile289= (NM_032121.5).
Identifiers: ClinVar variation 1165212 (VCV001165212.11), dbSNP rs782533209, ClinGen allele CA10458462.